The following is an entry in ClinVar:

NM_001349253.2(SCN11A):c.5084G>A (p.Gly1695Asp)

Gene: SCN11A (sodium voltage-gated channel alpha subunit 11; minus strand). Cytogenetic location: 3p22.2.
Variant type: single nucleotide variant.
Coding change: c.5084G>A on transcript NM_001349253.2 (MANE Select); coding-DNA position 5084, G replaced by A.
Protein change: p.Gly1695Asp; replaces glycine 1695 with aspartic acid.
Molecular consequence: missense variant.
Genome position (GRCh38, 1-based): chr3:38,846,986, C>T on the plus strand (G>A on the coding strand, the complement: SCN11A is on the minus strand). VCF-style: chr3-38846986-C-T. GRCh37 (hg19) VCF-style: chr3-38888477-C-T.
Other names: c.5084G>A, p.Gly1695Asp (NM_014139.3); short protein forms G1695D.
Identifiers: ClinVar variation 641838 (VCV000641838.9), dbSNP rs199777850, ClinGen allele CA2321402.
Genomic context (GRCh38, chr3:38,846,986, plus strand): 5'-TTGGCTTCCATGAACTTCTCTTCCATCATTGCTTTCATACTATCTAGGCCATCAGAGCCA[C>T]CGAGTACCCTAGCGGTGAAGGCGAAAAGAATATCCATGCAGTGGAGGCGATCTTCACTCA-3'
Protein context (NP_001336182.1, residues 1685-1705): ILFAFTARVL[Gly1695Asp]GSDGLDSMKA

ClinVar aggregate classification (germline): Uncertain significance. Review status: criteria provided, multiple submitters, no conflicts (2 of 4 stars). 2 submissions from 2 submitters: Uncertain significance (2). Last evaluated 2025-06-01.

Conditions:
Familial episodic pain syndrome with predominantly lower limb involvement. Also called: Episodic pain syndrome, familial, 3. Identifiers: Orphanet 391384, Orphanet 391392, MedGen C3809899, MONDO:0014247, OMIM 615552.
Hereditary sensory and autonomic neuropathy type 7. Also called: Neuropathy, hereditary sensory and autonomic, type VII; HSAN VII. Identifiers: Orphanet 391397, MedGen C3809882, MONDO:0014244, OMIM 615548.
Inborn genetic diseases. Identifiers: MedGen C0950123, MeSH D030342.

Allele frequency attached by ClinVar (database versions not stated): ExAC 0.00004; gnomAD exomes 0.00004 and 0.00003; TOPMed 0.00004; gnomAD 0.00005.
gnomAD v4.1: 54 of 1,614,018 alleles (0.0033%); highest among the groups gnomAD compares: Non-Finnish European, 0.0025%; no homozygotes.

Submissions (2):

Labcorp Genetics (formerly Invitae), Labcorp
Classification: Uncertain significance for Familial episodic pain syndrome with predominantly lower limb involvement; Hereditary sensory and autonomic neuropathy type 7. Last evaluated: 2025-06-01. Review status: criteria provided, single submitter. Criteria: Invitae Variant Classification Sherloc (09022015). Collection method: clinical testing. Allele origin: germline.
Comment: This sequence change replaces glycine, which is neutral and non-polar, with aspartic acid, which is acidic and polar, at codon 1695 of the SCN11A protein (p.Gly1695Asp). This variant is present in population databases (rs199777850, gnomAD 0.07%). This variant has not been reported in the literature in individuals affected with SCN11A-related conditions. ClinVar contains an entry for this variant (Variation ID: 641838). Invitae Evidence Modeling of protein sequence and biophysical properties (such as structural, functional, and spatial information, amino acid conservation, physicochemical variation, residue mobility, and thermodynamic stability) indicates that this missense variant is expected to disrupt SCN11A protein function with a positive predictive value of 80%. In summary, the available evidence is currently insufficient to determine the role of this variant in disease. Therefore, it has been classified as a Variant of Uncertain Significance.

Ambry Genetics
Classification: Uncertain significance for Inborn genetic diseases. Last evaluated: 2020-03-31. Review status: criteria provided, single submitter. Criteria: Ambry Variant Classification Scheme 2023. Collection method: clinical testing. Allele origin: germline.
Comment: The p.G1695D variant (also known as c.5084G>A), located in coding exon 26 of the SCN11A gene, results from a G to A substitution at nucleotide position 5084. The glycine at codon 1695 is replaced by aspartic acid, an amino acid with similar properties. This amino acid position is highly conserved in available vertebrate species. In addition, this alteration is predicted to be deleterious by in silico analysis. Since supporting evidence is limited at this time, the clinical significance of this alteration remains unclear.